The following is an entry in ClinVar:

NM_194248.3(OTOF):c.3913AAG[7] (p.Lys1310dup)

Gene: OTOF (otoferlin; minus strand). Cytogenetic location: 2p23.3.
Variant type: Microsatellite.
Coding change: c.3913AAG[7] on transcript NM_194248.3 (MANE Select); seven copies in a row of the 3-base unit AAG starting at c.3913; the reference has six copies in a row; one copy, 3 bases duplicated; also written c.3928_3930dup.
Protein change: p.Lys1310dup; duplicates lysine 1310.
Molecular consequence: inframe insertion.
Genome position (GRCh38, 1-based): chr2:26,470,686-26,470,688, CTT duplicated on the plus strand (AAG on the coding strand, the reverse complement: OTOF is on the minus strand); duplicating any 3 consecutive bases within chr2:26,470,686-26,470,705 gives the same sequence; the position shown is the placement nearest the transcript's 3' end. VCF-style (leftmost placement, unchanged base first): chr2-26470685-C-CCTT. GRCh37 (hg19) VCF-style: chr2-26693553-C-CCTT.
Other names: p.Lys1310dup; c.3913AAG[7], p.Lys1310dup (NM_001287489.2); c.1612AAG[7], p.Lys543dup (NM_004802.4, NM_194323.3); c.1843AAG[7], p.Lys620dup (NM_194322.3); c.3928_3930dup (NM_001287489.2, NM_194248.3); c.3928_3930dupAAG (NM_194248.3).
Identifiers: ClinVar variation 229079 (VCV000229079.31), dbSNP rs368148603, ClinGen allele CA351268.

ClinVar aggregate classification (germline): Uncertain significance. Review status: criteria provided, multiple submitters, no conflicts (2 of 4 stars). 9 submissions from 9 submitters: Uncertain significance (9). Last evaluated 2026-06-02.

Conditions:
OTOF-related disorder. Also called: OTOF-related condition.
Autosomal recessive nonsyndromic hearing loss 9. Also called: AUDITORY NEUROPATHY, AUTOSOMAL RECESSIVE, 1, TEMPERATURE-SENSITIVE; OTOF-Related Hearing Loss; Deafness, autosomal recessive 9; NEUROSENSORY NONSYNDROMIC RECESSIVE DEAFNESS 9. Identifiers: Orphanet 90636, MedGen C1832828, MONDO:0010986, OMIM 601071.

Submissions (9):

PreventionGenetics, part of Exact Sciences
Classification: Uncertain significance for OTOF-related condition. Last evaluated: 2026-06-02. Review status: criteria provided, single submitter. Criteria: ACMG Guidelines, 2015. Collection method: clinical testing. Allele origin: germline.
Comment: The OTOF c.3928_3930dupAAG variant is predicted to result in an in-frame duplication (p.Lys1310dup). This variant was reported in the compound heterozygous state to a likely pathogenic variant in two unrelated individuals with hearing loss, although one of these patients also had a de novo variant in another gene that potentially explained all their features (Lee et al. 2014. PubMed ID: 25326637; Liu et al. 2022. PubMed ID: 35114279). This variant is reported in 0.081% of alleles in individuals of East Asian descent in gnomAD. At this time, the clinical significance of this variant is uncertain due to the absence of conclusive functional and genetic evidence.

Women's Health and Genetics/Laboratory Corporation of America, LabCorp
Classification: Uncertain significance. Last evaluated: 2026-03-03. Review status: criteria provided, single submitter. Criteria: LabCorp Variant Classification Summary - May 2015. Collection method: clinical testing. Allele origin: germline.
Comment: Variant summary: OTOF c.3928_3930dupAAG (p.Lys1310dup) results in an in-frame duplication that is predicted to duplicate one amino acid into the encoded protein. The variant allele was found at a frequency of 0.00019 in 248192 control chromosomes (gnomAD). This frequency is not significantly higher than estimated for disease-causing variants in OTOF, allowing no conclusion about variant significance. c.3928_3930dupAAG has been observed in individuals affected with hearing loss and deafness (Lee_2014, Liu_2022). These data do not allow any conclusion about variant significance. To our knowledge, no experimental evidence demonstrating an impact on protein function has been reported. The following publications have been ascertained in the context of this evaluation (PMID: 25326637, 35114279). ClinVar contains an entry for this variant (Variation ID: 229079). Based on the evidence outlined above, the variant was classified as uncertain significance.

GeneDx
Classification: Uncertain significance. Last evaluated: 2025-09-08. Review status: criteria provided, single submitter. Criteria: GeneDx Variant Classification Process June 2021. Collection method: clinical testing. Allele origin: germline. Affected: yes.
Comment: In-frame insertion of one amino acid in a repetitive region with no known function; This variant is associated with the following publications: (PMID: 34426522, 35114279, 25326637)

Blueprint Genetics
Classification: Uncertain significance. Last evaluated: 2024-08-07. Review status: criteria provided, single submitter. Criteria: ACMG Guidelines, 2015. Collection method: clinical testing. Allele origin: germline.

CeGaT Center for Human Genetics Tuebingen
Classification: Uncertain significance. Last evaluated: 2024-07-01. Review status: criteria provided, single submitter. Criteria: CeGaT Center For Human Genetics Tuebingen Variant Classification Criteria Version 2. Collection method: clinical testing. Allele origin: germline. Affected: yes. Observed: 1 variant allele.
Comment: OTOF: PM4:Supporting

Labcorp Genetics (formerly Invitae), Labcorp
Classification: Uncertain significance. Last evaluated: 2022-06-19. Review status: criteria provided, single submitter. Criteria: Invitae Variant Classification Sherloc (09022015). Collection method: clinical testing. Allele origin: germline.
Comment: This variant, c.3928_3930dup, results in the insertion of 1 amino acid(s) of the OTOF protein (p.Lys1310dup), but otherwise preserves the integrity of the reading frame. This variant is present in population databases (rs768338261, gnomAD 0.08%). This variant has been observed in individual(s) with clinical features of OTOF-related conditions (PMID: 25326637). ClinVar contains an entry for this variant (Variation ID: 229079). Experimental studies and prediction algorithms are not available or were not evaluated, and the functional significance of this variant is currently unknown. In summary, the available evidence is currently insufficient to determine the role of this variant in disease. Therefore, it has been classified as a Variant of Uncertain Significance.

Fulgent Genetics
Classification: Uncertain significance for Autosomal recessive nonsyndromic hearing loss 9. Last evaluated: 2022-04-28. Review status: criteria provided, single submitter. Criteria: ACMG Guidelines, 2015. Collection method: clinical testing. Allele origin: unknown.

Laboratory for Molecular Medicine, Mass General Brigham Personalized Medicine
Classification: Uncertain significance. Last evaluated: 2016-03-22. Review status: criteria provided, single submitter. Criteria: LMM Criteria. Collection method: clinical testing. Allele origin: germline. Observed: 1 variant allele.
Comment: The p.Lys1310dup variant in OTOF has been previously reported in one individual with hearing loss and multiple congenital anomalies who was compound heterozygou s for a second likely pathogenic variant in OTOF (Lee 2014). This variant has a lso been identified in 6/8612 of East Asian chromosomes and 8/16414 South Asian chromosomes by the Exome Aggregation Consortium (ExAC; dbSNP rs768338261). Although this variant has been seen in the general po pulation, its frequency is not high enough to rule out a pathogenic role. This v ariant results in an in-frame insertion of one lysine (Lys) residue in a lysine tract and does not alter the amino acid reading frame. It is unclear if this ins ertion will impact the protein. In summary, the clinical significance of the p.L ys1310dup variant is uncertain.

Juno Genomics, Hangzhou Juno Genomics, Inc
Classification: Uncertain significance for Autosomal recessive nonsyndromic hearing loss 9. Review status: criteria provided, single submitter. Criteria: ACMG Guidelines, 2015. Collection method: clinical testing. Allele origin: germline.
Comment: Absent from controls (or at extremely low frequency if recessive) in Genome Aggregation Database.;For recessive disorders, detected in trans with a pathogenic variant.

Literature cited by the submitters: PubMed 25326637 (cited by 3 submitters); PubMed 35114279 (cited by Women's Health and Genetics/Laboratory Corporation of America, LabCorp).